The following is an entry in ClinVar:

NM_006767.4(LZTR1):c.199C>G (p.Arg67Gly)

Gene: LZTR1 (leucine zipper like post translational regulator 1; plus strand). Cytogenetic location: 22q11.21.
Variant type: single nucleotide variant.
Coding change: c.199C>G on transcript NM_006767.4 (MANE Select); coding-DNA position 199, C replaced by G.
Protein change: p.Arg67Gly; replaces arginine 67 with glycine.
Molecular consequence: missense variant.
Genome position (GRCh38, 1-based): chr22:20,982,570, C>G. VCF-style: chr22-20982570-C-G. GRCh37 (hg19) VCF-style: chr22-21336859-C-G.
Other names: short protein forms R67G.
Identifiers: ClinVar variation 2447723 (VCV002447723.3), dbSNP rs1270620798, ClinGen allele CA410778190.

ClinVar aggregate classification (germline): Uncertain significance (1 of 4 stars; one submission).

Conditions:
Cardiovascular phenotype. Identifiers: MedGen CN230736.
Hereditary cancer-predisposing syndrome. Also called: Neoplastic Syndromes, Hereditary; Hereditary Cancer Syndrome; Tumor predisposition; Hereditary neoplastic syndrome. Identifiers: Orphanet 140162, MedGen C0027672, MeSH D009386, MONDO:0015356.

Submission:

Ambry Genetics
Classification: Uncertain significance for Cardiovascular phenotype; Hereditary cancer-predisposing syndrome. Last evaluated: 2025-07-24. Review status: criteria provided, single submitter. Criteria: Ambry Variant Classification Scheme 2023. Collection method: clinical testing. Allele origin: germline.
Comment: The p.R67G variant (also known as c.199C>G), located in coding exon 1 of the LZTR1 gene, results from a C to G substitution at nucleotide position 199. The arginine at codon 67 is replaced by glycine, an amino acid with dissimilar properties. This amino acid position is highly conserved in available vertebrate species. In addition, this alteration is predicted to be deleterious by in silico analysis. Based on the available evidence, the clinical significance of this variant remains unclear.